The following is an entry in ClinVar:

ClinVar aggregate classification (germline): Likely pathogenic (1 of 4 stars; one submission).

Conditions:
Biotinidase deficiency. Also called: Biotin deficiency; BTD deficiency; Late-onset biotin-responsive multiple carboxylase deficiency. Identifiers: Orphanet 79241, MedGen C0220754, MONDO:0009665, OMIM 253260.

gnomAD v4.1: 2 of 1,614,066 alleles (0.00012%); highest among the groups gnomAD compares: African/African-American, 0.0013%; no homozygotes.

Submission:

Labcorp Genetics (formerly Invitae), Labcorp
Classification: Likely pathogenic for Biotinidase deficiency. Last evaluated: 2025-08-27. Review status: criteria provided, single submitter. Criteria: Invitae Variant Classification Sherloc (09022015). Collection method: clinical testing. Allele origin: germline.
Comment: This sequence change replaces proline, which is neutral and non-polar, with leucine, which is neutral and non-polar, at codon 497 of the BTD protein (p.Pro497Leu). This variant is present in population databases (no rsID available, gnomAD 0.003%). This variant has not been reported in the literature in individuals affected with BTD-related conditions. Invitae Evidence Modeling of protein sequence and biophysical properties (such as structural, functional, and spatial information, amino acid conservation, physicochemical variation, residue mobility, and thermodynamic stability) indicates that this missense variant is expected to disrupt BTD protein function with a positive predictive value of 95%. This variant disrupts the p.Pro497 amino acid residue in BTD. Other variant(s) that disrupt this residue have been determined to be pathogenic (PMID: 10400129, 15776412, 19757147, 26361991, 26810761). This suggests that this residue is clinically significant, and that variants that disrupt this residue are likely to be disease-causing. In summary, the currently available evidence indicates that the variant is pathogenic, but additional data are needed to prove that conclusively. Therefore, this variant has been classified as Likely Pathogenic.

Literature cited by the submitters: PubMed 10400129; PubMed 15776412; PubMed 19757147; PubMed 26361991; PubMed 26810761.

NM_001370658.1(BTD):c.1430C>T (p.Pro477Leu)

Gene: BTD (biotinidase; plus strand). Cytogenetic location: 3p25.1.
Variant type: single nucleotide variant.
Coding change: c.1430C>T on transcript NM_001370658.1 (MANE Select); coding-DNA position 1430, C replaced by T.
Protein change: p.Pro477Leu; replaces proline 477 with leucine.
Molecular consequence: missense variant. On other transcripts: intron variant (8).
Genome position (GRCh38, 1-based): chr3:15,645,346, C>T. VCF-style: chr3-15645346-C-T. GRCh37 (hg19) VCF-style: chr3-15686853-C-T.
Other names: c.1430C>T, p.Pro477Leu (NM_001281723.4, NM_001281724.3, NM_001281725.3 and 16 more transcripts); c.1015+415C>T (NM_001370752.1, NM_001407379.1); c.399+3289C>T (NM_001370753.1, NM_001407400.1, NM_001407401.1 and 3 more transcripts); short protein forms P477L.
Identifiers: ClinVar variation 4759779 (VCV004759779.1).
Genomic context (GRCh38, chr3:15,645,346, plus strand): 5'-AGGCCACGGGGATATTTGAGTTTCACCTGTGGGGCAACTTCAGTACTTCCTATATCTTTC[C>T]TTTGTTTCTGACCTCAGGGATGACCCTAGAAGTCCCTGACCAGCTTGGCTGGGAGAATGA-3'
Protein context (NP_001357587.1, residues 467-487): WGNFSTSYIF[Pro477Leu]LFLTSGMTLE